The following is an entry in ClinVar:

ClinVar aggregate classification (germline): Uncertain significance (1 of 4 stars; one submission).

Submission:

Labcorp Genetics (formerly Invitae), Labcorp
Classification: Uncertain significance. Last evaluated: 2023-05-22. Review status: criteria provided, single submitter. Criteria: Invitae Variant Classification Sherloc (09022015). Collection method: clinical testing. Allele origin: germline.
Comment: In summary, the available evidence is currently insufficient to determine the role of this variant in disease. Therefore, it has been classified as a Variant of Uncertain Significance. An algorithm developed to predict the effect of missense changes on protein structure and function (PolyPhen-2) suggests that this variant is likely to be disruptive. ClinVar contains an entry for this variant (Variation ID: 1045882). This variant has not been reported in the literature in individuals affected with SCP2-related conditions. This variant is not present in population databases (gnomAD no frequency). This sequence change replaces glycine, which is neutral and non-polar, with alanine, which is neutral and non-polar, at codon 383 of the SCP2 protein (p.Gly383Ala).

NM_002979.5(SCP2):c.1148G>C (p.Gly383Ala)

Gene: SCP2 (sterol carrier protein 2; plus strand). Cytogenetic location: 1p32.3.
Variant type: single nucleotide variant.
Coding change: c.1148G>C on transcript NM_002979.5 (MANE Select); coding-DNA position 1148, G replaced by C.
Protein change: p.Gly383Ala; replaces glycine 383 with alanine.
Molecular consequence: missense variant. On other transcripts: 5 prime UTR variant (3).
Genome position (GRCh38, 1-based): chr1:53,014,956, G>C. VCF-style: chr1-53014956-G-C. GRCh37 (hg19) VCF-style: chr1-53480628-G-C.
Other names: c.-65G>C (NM_001007099.3, NM_001007100.3, NM_001007250.3); c.1076G>C, p.Gly359Ala (NM_001193599.2); c.1016G>C, p.Gly339Ala (NM_001193600.2); c.905G>C, p.Gly302Ala (NM_001193617.2); short protein forms G359A, G302A, G339A, G383A.
Identifiers: ClinVar variation 1045882 (VCV001045882.8), dbSNP rs1661228838, ClinGen allele CA340385869.